The following is an entry in ClinVar:

ClinVar aggregate classification (germline): Uncertain significance. Review status: criteria provided, multiple submitters, no conflicts (2 of 4 stars). 2 submissions from 2 submitters: Uncertain significance (2). Last evaluated 2025-08-29.

Conditions:
Brugada syndrome. Also called: Sudden unexpected nocturnal death syndrome; Sudden unexplained nocturnal death syndrome; Sudden Unexplained Death Syndrome; Sudden Unexplained Nocturnal Death Syndrome (SUNDS). Identifiers: Orphanet 130, MedGen C1142166, MONDO:0015263.
Cardiovascular phenotype. Identifiers: MedGen CN230736.

gnomAD v4.1: 4 of 1,614,136 alleles (0.00025%); highest among the groups gnomAD compares: East Asian, 0.0022%; no homozygotes.

Submissions (2):

Ambry Genetics
Classification: Uncertain significance for Cardiovascular phenotype. Last evaluated: 2025-08-29. Review status: criteria provided, single submitter. Criteria: Ambry Variant Classification Scheme 2023. Collection method: clinical testing. Allele origin: germline.

Labcorp Genetics (formerly Invitae), Labcorp
Classification: Uncertain significance for Brugada syndrome. Last evaluated: 2025-04-30. Review status: criteria provided, single submitter. Criteria: Invitae Variant Classification Sherloc (09022015). Collection method: clinical testing. Allele origin: germline.
Comment: This sequence change replaces cysteine, which is neutral and slightly polar, with arginine, which is basic and polar, at codon 310 of the SCN10A protein (p.Cys310Arg). This variant is present in population databases (no rsID available, gnomAD 0.0009%). This variant has not been reported in the literature in individuals affected with SCN10A-related conditions. Invitae Evidence Modeling of protein sequence and biophysical properties (such as structural, functional, and spatial information, amino acid conservation, physicochemical variation, residue mobility, and thermodynamic stability) has been performed for this missense variant. However, the output from this modeling did not meet the statistical confidence thresholds required to predict the impact of this variant on SCN10A protein function. In summary, the available evidence is currently insufficient to determine the role of this variant in disease. Therefore, it has been classified as a Variant of Uncertain Significance.

NM_006514.4(SCN10A):c.928T>C (p.Cys310Arg)

Gene: SCN10A (sodium voltage-gated channel alpha subunit 10; minus strand). Cytogenetic location: 3p22.2.
Variant type: single nucleotide variant.
Coding change: c.928T>C on transcript NM_006514.4 (MANE Select); coding-DNA position 928, T replaced by C.
Protein change: p.Cys310Arg; replaces cysteine 310 with arginine.
Molecular consequence: missense variant.
Genome position (GRCh38, 1-based): chr3:38,760,703, A>G on the plus strand (T>C on the coding strand, the complement: SCN10A is on the minus strand). VCF-style: chr3-38760703-A-G. GRCh37 (hg19) VCF-style: chr3-38802194-A-G.
Other names: c.928T>C, p.Cys310Arg (NM_001293306.2, NM_001293307.2); short protein forms C310R.
Identifiers: ClinVar variation 4160562 (VCV004160562.2).